The following is an entry in ClinVar:

ClinVar aggregate classification (germline): Uncertain significance (1 of 4 stars; one submission).

Submission:

ARUP Laboratories, Molecular Genetics and Genomics, ARUP Laboratories
Classification: Uncertain significance. Last evaluated: 2024-11-06. Review status: criteria provided, single submitter. Criteria: ARUP Molecular Germline Variant Investigation Process 2024. Collection method: clinical testing. Allele origin: germline.
Comment: The HBA2 c.180C>T; p.Gly60= variant (also known as Gly59Gly when numbered from the mature protein, rs1596569781), to our knowledge, is not reported in the medical literature but is reported in ClinVar (Variation ID: 811236). This variant is also absent from the Genome Aggregation Database, indicating it is not a common polymorphism. This is a synonymous variant in a weakly conserved nucleotide, but computational analyses (Alamut Visual Plus v.1.5.1) predict that this variant may impact splicing by creating a novel cryptic donor splice site. Due to limited information, the clinical significance of this variant is uncertain at this time.

NM_000517.6(HBA2):c.180C>T (p.Gly60=)

Genes: HBA2 (hemoglobin subunit alpha 2; plus strand), LOC106804612 (hemoglobin subunit alpha 2 recombination region; plus strand). Cytogenetic location: 16p13.3.
Variant type: single nucleotide variant.
Coding change: c.180C>T on transcript NM_000517.6 (MANE Select); coding-DNA position 180, C replaced by T.
Protein change: p.Gly60=; no amino-acid change (glycine 60 retained).
Molecular consequence: synonymous variant.
Genome position (GRCh38, 1-based): chr16:173,209, C>T. VCF-style: chr16-173209-C-T. GRCh37 (hg19) VCF-style: chr16-223208-C-T.
Identifiers: ClinVar variation 811236 (VCV000811236.9), dbSNP rs1596569781, ClinGen allele CA492994622.